The following is an entry in ClinVar:

ClinVar aggregate classification (germline): Likely benign (1 of 4 stars; one submission).

Allele frequency attached by ClinVar (database versions not stated): TOPMed below 0.00001; ExAC 0.00001; gnomAD 0.00001.
gnomAD v4.1: 21 of 1,614,104 alleles (0.0013%); highest among the groups gnomAD compares: Non-Finnish European, 0.0017%; no homozygotes.

Submission:

CeGaT Center for Human Genetics Tuebingen
Classification: Likely benign. Last evaluated: 2023-01-01. Review status: criteria provided, single submitter. Criteria: CeGaT Center For Human Genetics Tuebingen Variant Classification Criteria Version 2. Collection method: clinical testing. Allele origin: germline. Affected: yes. Observed: 1 variant allele.
Comment: ERCC5: BP4, BP7

NM_000123.4(ERCC5):c.1374A>G (p.Val458=)

Genes: BIVM-ERCC5 (BIVM-ERCC5 readthrough; plus strand), ERCC5 (ERCC excision repair 5, endonuclease; plus strand). Cytogenetic location: 13q33.1.
Variant type: single nucleotide variant.
Coding change: c.1374A>G on transcript NM_000123.4 (MANE Select); coding-DNA position 1374, A replaced by G.
Protein change: p.Val458=; no amino-acid change (valine 458 retained).
Molecular consequence: synonymous variant.
Genome position (GRCh38, 1-based): chr13:102,862,523, A>G. VCF-style: chr13-102862523-A-G. GRCh37 (hg19) VCF-style: chr13-103514873-A-G.
Other names: c.2736A>G, p.Val912= (NM_001204425.2).
Identifiers: ClinVar variation 2643919 (VCV002643919.24), dbSNP rs758565350, ClinGen allele CA7041405.
Genomic context (GRCh38, chr13:102,862,523, plus strand): 5'-AGGAATACCGTTTACTGCAACACTTGCGTCATCTAGTGTGAACTCTGCAGAGGAGCACGT[A>G]GCCAGCACTAATGAGGGGAGAGAGCCCACAGACTCAGTTCCAAAAGAACAAATGTCACTT-3'
Protein context (NP_000114.3, residues 448-468): SSSVNSAEEH[Val458=]ASTNEGREPT